The following is an entry in ClinVar:

NM_000512.5(GALNS):c.922T>C (p.Cys308Arg)

Gene: GALNS (galactosamine (N-acetyl)-6-sulfatase; minus strand). Cytogenetic location: 16q24.3.
Variant type: single nucleotide variant.
Coding change: c.922T>C on transcript NM_000512.5 (MANE Select); coding-DNA position 922, T replaced by C.
Protein change: p.Cys308Arg; replaces cysteine 308 with arginine.
Molecular consequence: missense variant.
Genome position (GRCh38, 1-based): chr16:88,832,078, A>G on the plus strand (T>C on the coding strand, the complement: GALNS is on the minus strand). VCF-style: chr16-88832078-A-G. GRCh37 (hg19) VCF-style: chr16-88898486-A-G.
Other names: c.367T>C, p.Cys123Arg (NM_001323543.2); c.940T>C, p.Cys314Arg (NM_001323544.2); short protein forms C123R, C308R, C314R.
Identifiers: ClinVar variation 1048217 (VCV001048217.4), dbSNP rs2142999197, ClinGen allele CA397101430.

ClinVar aggregate classification (germline): Conflicting classifications of pathogenicity. Review status: criteria provided, conflicting classifications (1 of 4 stars). 2 submissions from 2 submitters: Likely pathogenic (1); Uncertain significance (1). Last evaluated 2025-02-24.

Conditions:
Morquio syndrome. Also called: Mucopolysaccharidosis, Type IV; MPS IV; Mucopolysaccharidosis type 4; Eccentrochondrodysplasia. Identifiers: Orphanet 582, MedGen C0026707, MONDO:0018938.
Mucopolysaccharidosis, MPS-IV-A (MPS4A). Also called: Mucopolysaccharidosis type IV A; Mucopolysaccharidosis Type IVA; Morquio syndrome A, mild; MORQUIO SYNDROME A; MPS IVA; mucopolysaccharidosis type 4A. Identifiers: Orphanet 309297, Orphanet 582, MedGen C0086651, MONDO:0009659, OMIM 253000.

Submissions (2):

Women's Health and Genetics/Laboratory Corporation of America, LabCorp
Classification: Likely pathogenic for Morquio syndrome. Last evaluated: 2025-02-24. Review status: criteria provided, single submitter. Criteria: LabCorp Variant Classification Summary - May 2015. Collection method: clinical testing. Allele origin: germline.
Comment: Variant summary: GALNS c.922T>C (p.Cys308Arg) results in a non-conservative amino acid change located in the Alkaline phosphatase-like domain of the encoded protein sequence. Four of five in-silico tools predict a damaging effect of the variant on protein function. The variant was absent in 250444 control chromosomes. c.922T>C has been reported in the literature in individuals affected with Mucopolysaccharidosis Type IVA (Morquio Syndrome A) (example: Klavuz_2021, Dung_2013). These data indicate that the variant is likely to be associated with disease. To our knowledge, no experimental evidence demonstrating an impact on protein function has been reported. The following publications have been ascertained in the context of this evaluation (PMID: 23876334, 33752727). ClinVar contains an entry for this variant (Variation ID: 1048217). Based on the evidence outlined above, the variant was classified as likely pathogenic.

Laboratory of Diagnosis and Therapy of Lysosomal Disorders, University of Padova
Classification: Uncertain significance for Mucopolysaccharidosis, MPS-IV-A. Last evaluated: 2021-02-01. Review status: criteria provided, single submitter. Criteria: ACMG Guidelines, 2015. Collection method: curation. Allele origin: germline. Affected: yes.
Comment: Absent from gnomAD v2.1.1 (PM2_moderate); multiple lines of computational evidence support a deleterious effect on the gene (PP3_supporting)

Literature cited by the submitters: PubMed 23876334 (cited by Women's Health and Genetics/Laboratory Corporation of America, LabCorp and Laboratory of Diagnosis and Therapy of Lysosomal Disorders, University of Padova); PubMed 33752727 (cited by Women's Health and Genetics/Laboratory Corporation of America, LabCorp); PubMed 34387910 (cited by Laboratory of Diagnosis and Therapy of Lysosomal Disorders, University of Padova).